The following is an entry in ClinVar:

ClinVar aggregate classification (germline): Uncertain significance (1 of 4 stars; one submission).

Conditions:
Hydatidiform mole, recurrent, 1 (HYDM1). Identifiers: Orphanet 254688, Orphanet 99927, MedGen C3463897, MONDO:0009273, OMIM 231090. Disease mechanism: loss of function.

Allele frequency attached by ClinVar (database versions not stated): gnomAD exomes below 0.00001; gnomAD 0.00001.
gnomAD v4.1: 2 of 1,613,954 alleles (0.00012%); highest among the groups gnomAD compares: Admixed American, 0.0017%; no homozygotes.

Submission:

Diagnostics Services (NGS), CSIR - Centre For Cellular And Molecular Biology
Classification: Uncertain significance for Hydatidiform mole, recurrent, 1. Last evaluated: 2020-03-09. Review status: criteria provided, single submitter. Criteria: ACMG Guidelines, 2015. Collection method: clinical testing. Allele origin: unknown. Inheritance: Autosomal recessive inheritance. Affected: yes. Observed: 1 heterozygote.
Comment: The c.2402T>C variant is not present in publicly available databases like 1000 Genomes, Exome Variant Server (EVS), Exome Aggregation Consortium (ExAC), Genome Aggregation Database (gnomAD) and dbSNP. The variant is also not present in our in-house exome database. The variant was not reported earlier to OMIM, ClinVar or HGMD databases. In-silico pathogenicity prediction programs like, SIFT, Polyphen-2, MutationTaster2, CADD etc. predicted this variant as likely deleterious, however functional assay was not performed performed to prove this. Due to lack of enough evidence he variant has been classified as uncertain significance as per ACMG guidelines.

NM_001127255.2(NLRP7):c.2402T>C (p.Leu801Pro)

Genes: NCR1 (natural cytotoxicity triggering receptor 1), NLRP7 (NLR family pyrin domain containing 7; minus strand). Cytogenetic location: 19q13.42.
Variant type: single nucleotide variant.
Coding change: c.2402T>C on transcript NM_001127255.2 (MANE Select); coding-DNA position 2402, T replaced by C.
Protein change: p.Leu801Pro; replaces leucine 801 with proline.
Molecular consequence: missense variant.
Genome position (GRCh38, 1-based): chr19:54,934,558, A>G on the plus strand (T>C on the coding strand, the complement: NLRP7 is on the minus strand). VCF-style: chr19-54934558-A-G. GRCh37 (hg19) VCF-style: chr19-55445926-A-G.
Other names: c.2402T>C, p.Leu801Pro (NM_001405531.1, NM_206828.4); c.2318T>C, p.Leu773Pro (NM_139176.4); short protein forms L773P, L801P.
Identifiers: ClinVar variation 834074 (VCV000834074.6), dbSNP rs2068817265, ClinGen allele CA407859287.